The following is an entry in ClinVar:

NM_004525.3(LRP2):c.2101G>A (p.Glu701Lys)

Gene: LRP2 (LDL receptor related protein 2; minus strand). Cytogenetic location: 2q31.1.
Variant type: single nucleotide variant.
Coding change: c.2101G>A on transcript NM_004525.3 (MANE Select); coding-DNA position 2101, G replaced by A.
Protein change: p.Glu701Lys; replaces glutamic acid 701 with lysine.
Molecular consequence: missense variant.
Genome position (GRCh38, 1-based): chr2:169,272,942, C>T on the plus strand (G>A on the coding strand, the complement: LRP2 is on the minus strand). VCF-style: chr2-169272942-C-T. GRCh37 (hg19) VCF-style: chr2-170129452-C-T.
Other names: short protein forms E701K.
Identifiers: ClinVar variation 1951559 (VCV001951559.6), dbSNP rs2528490685, ClinGen allele CA349140458.
Genomic context (GRCh38, chr2:169,272,942, plus strand): 5'-TACACCTGTGTCACCTGCCAACAACGTCCAAAACAGACTTCTTACCAATGCAGTGGCGCT[C>T]ATCTGTATCCAGTTGGAAGCCGAATGTGCACTTGCAACGGAAACCCAAACCATCATTATC-3'
Protein context (NP_004516.2, residues 691-711): CTFGFQLDTD[Glu701Lys]RHCIAVQNFL

ClinVar aggregate classification (germline): Uncertain significance. Review status: criteria provided, multiple submitters, no conflicts (2 of 4 stars). 2 submissions from 2 submitters: Uncertain significance (2). Last evaluated 2024-03-06.

Conditions:
Donnai-Barrow syndrome. Also called: DBS/FOAR SYNDROME; FACIOOCULOACOUSTICORENAL SYNDROME. Identifiers: Orphanet 2143, MedGen C1857277, MONDO:0009104, OMIM 222448.

Submissions (2):

Fulgent Genetics
Classification: Uncertain significance for Donnai-Barrow syndrome. Last evaluated: 2024-03-06. Review status: criteria provided, single submitter. Criteria: ACMG Guidelines, 2015. Collection method: clinical testing. Allele origin: germline.

Labcorp Genetics (formerly Invitae), Labcorp
Classification: Uncertain significance. Last evaluated: 2023-03-08. Review status: criteria provided, single submitter. Criteria: Invitae Variant Classification Sherloc (09022015). Collection method: clinical testing. Allele origin: germline.
Comment: This sequence change replaces glutamic acid, which is acidic and polar, with lysine, which is basic and polar, at codon 701 of the LRP2 protein (p.Glu701Lys). This variant is not present in population databases (gnomAD no frequency). This variant has not been reported in the literature in individuals affected with LRP2-related conditions. ClinVar contains an entry for this variant (Variation ID: 1951559). Advanced modeling of protein sequence and biophysical properties (such as structural, functional, and spatial information, amino acid conservation, physicochemical variation, residue mobility, and thermodynamic stability) performed at Invitae indicates that this missense variant is not expected to disrupt LRP2 protein function. In summary, the available evidence is currently insufficient to determine the role of this variant in disease. Therefore, it has been classified as a Variant of Uncertain Significance.